The following is an entry in ClinVar:

ClinVar aggregate classification (germline): Uncertain significance. Review status: criteria provided, multiple submitters, no conflicts (2 of 4 stars). 6 submissions from 6 submitters: Uncertain significance (4). 2 of the submissions do not count toward it. Last evaluated 2026-02-27.

Conditions:
Spinocerebellar ataxia type 40. Identifiers: Orphanet 423275, MedGen C4518336, MONDO:0014475, OMIM 616053.
Hydrocephalus, nonsyndromic, autosomal recessive 1 (HYC1). Also called: Hydrocephalus, nonsyndromic, autosomal recessive; Congenital hydrocephalus 1. Identifiers: Orphanet 2185, MedGen C3887608, MONDO:0009360, OMIM 236600.

Allele frequency attached by ClinVar (database versions not stated): gnomAD 0.00011 and 0.00013; TOPMed 0.00018; gnomAD exomes 0.00027; ExAC 0.00049.
gnomAD v4.1: 166 of 1,584,260 alleles (0.01%); highest among the groups gnomAD compares: East Asian, 0.33%; no homozygotes.

Submissions (6):

Women's Health and Genetics/Laboratory Corporation of America, LabCorp
Classification: Uncertain significance. Last evaluated: 2026-02-27. Review status: criteria provided, single submitter. Criteria: LabCorp Variant Classification Summary - May 2015. Collection method: clinical testing. Allele origin: germline.
Comment: Variant summary: CCDC88C c.1391G>A (p.Arg464His) results in a non-conservative amino acid change in the encoded protein sequence. Algorithms developed to predict the effect of missense changes on protein structure and function are either unavailable or do not agree on the potential impact of this missense change. The variant allele was found at a frequency of 0.00027 in 195200 control chromosomes, predominantly at a frequency of 0.0036 within the East Asian subpopulation in the gnomAD database. The observed variant frequency within East Asian control individuals in the gnomAD database exceeds the estimated maximal expected allele frequency for disease-causing variants in CCDC88C. c.1391G>A has been observed in the heterozygous state in four individuals affected with Spinocerebellar ataxia from a single family where the variant segregated with disease (Tsoi_2014). These data indicate that the variant may be associated with disease, however these individuals were of East Asian ancestry, and therefore the significance of this finding is unclear. At least two publications report experimental evidence evaluating an impact on protein function. Although one study found that the variant resulted in downstream JNK activation and apoptosis, suggesting a gain of function disease mechanism (Tsoi_2014), the other study did not find evidence of an increased proapoptotic effect based on caspase-3 activation or TUNEL assay (Boros_2023). Therefore the effect of this variant on protein function remains undetermined due to conflicting results. The following publications have been ascertained in the context of this evaluation (PMID: 36768938, 25062847). ClinVar contains an entry for this variant (Variation ID: 155879). Based on the evidence outlined above, the variant was classified as uncertain significance.

Fulgent Genetics
Classification: Uncertain significance for Hydrocephalus, nonsyndromic, autosomal recessive 1; Spinocerebellar ataxia type 40. Last evaluated: 2024-04-24. Review status: criteria provided, single submitter. Criteria: ACMG Guidelines, 2015. Collection method: clinical testing. Allele origin: germline.

Genomic Research Center, Shahid Beheshti University of Medical Sciences
Classification: Uncertain significance for Congenital hydrocephalus 1. Last evaluated: 2022-12-24. Review status: criteria provided, single submitter. Criteria: ACMG Guidelines, 2015. Collection method: clinical testing. Allele origin: unknown. Affected: yes.

Juno Genomics, Hangzhou Juno Genomics, Inc
Classification: Uncertain significance for Spinocerebellar ataxia type 40. Review status: criteria provided, single submitter. Criteria: ACMG Guidelines, 2015. Collection method: clinical testing. Allele origin: germline.
Comment: Well-established in vitro or in vivo functional studies supportive of a damaging effect on the gene or gene product.;The prevalence of the variant in affected individuals is significantly increased compared to the prevalence in controls.;Co-segregation with disease in multiple affected family members.;Patient's phenotype or family history is highly specific for a disease with a single genetic etiology.

OMIM
Classification: Pathogenic for SPINOCEREBELLAR ATAXIA 40 (1 family). Last evaluated: 2014-09-01. Review status: no assertion criteria provided. Collection method: literature only. Allele origin: germline. Not counted in ClinVar's aggregate classification.

Faculty of Science, Laboratory of Drosophila Research, School of Life Sciences, The Chinese University of Hong Kong, Hong Kong
Classification: Pathogenic for Spinocerebellar ataxia 40. Last evaluated: 2014-07-05. Review status: no assertion criteria provided. Collection method: research. Allele origin: inherited. Affected: yes. Observed: 5 variant alleles. Study: A novel missense mutation in CCDC88C activates the JNK pathway and causes a dominant form of spinocerebellar ataxia. Not counted in ClinVar's aggregate classification.

Literature cited by the submitters: PubMed 36768938 (cited by Women's Health and Genetics/Laboratory Corporation of America, LabCorp); PubMed 25062847 (cited by 3 submitters).

NM_001080414.4(CCDC88C):c.1391G>A (p.Arg464His)

Gene: CCDC88C (coiled-coil and HOOK domain protein 88C; minus strand). Cytogenetic location: 14q32.11.
Variant type: single nucleotide variant.
Coding change: c.1391G>A on transcript NM_001080414.4 (MANE Select); coding-DNA position 1391, G replaced by A.
Protein change: p.Arg464His; replaces arginine 464 with histidine.
Molecular consequence: missense variant.
Genome position (GRCh38, 1-based): chr14:91,321,256, C>T on the plus strand (G>A on the coding strand, the complement: CCDC88C is on the minus strand). VCF-style: chr14-91321256-C-T. GRCh37 (hg19) VCF-style: chr14-91787600-C-T.
Other names: NM_001080414:p.R464H; short protein forms R464H.
Identifiers: ClinVar variation 155879 (VCV000155879.12), dbSNP rs587782989, ClinGen allele CA170721.